The following is an entry in ClinVar:

ClinVar aggregate classification (germline): Uncertain significance (1 of 4 stars; one submission).

Allele frequency attached by ClinVar (database versions not stated): gnomAD 0.00005; TOPMed 0.00005.

Submission:

Labcorp Genetics (formerly Invitae), Labcorp
Classification: Uncertain significance. Last evaluated: 2025-01-28. Review status: criteria provided, single submitter. Criteria: Invitae Variant Classification Sherloc (09022015). Collection method: clinical testing. Allele origin: germline.
Comment: This sequence change replaces asparagine, which is neutral and polar, with serine, which is neutral and polar, at codon 226 of the TRIM8 protein (p.Asn226Ser). This variant is present in population databases (no rsID available, gnomAD 0.008%). This variant has not been reported in the literature in individuals affected with TRIM8-related conditions. ClinVar contains an entry for this variant (Variation ID: 2098534). An algorithm developed to predict the effect of missense changes on protein structure and function outputs the following: PolyPhen-2: "Benign". The serine amino acid residue is found in multiple mammalian species, which suggests that this missense change does not adversely affect protein function. In summary, the available evidence is currently insufficient to determine the role of this variant in disease. Therefore, it has been classified as a Variant of Uncertain Significance.

NM_030912.3(TRIM8):c.677A>G (p.Asn226Ser)

Gene: TRIM8 (tripartite motif containing 8; plus strand). Cytogenetic location: 10q24.32.
Variant type: single nucleotide variant.
Coding change: c.677A>G on transcript NM_030912.3 (MANE Select); coding-DNA position 677, A replaced by G.
Protein change: p.Asn226Ser; replaces asparagine 226 with serine.
Molecular consequence: missense variant. On other transcripts: non-coding transcript variant (1).
Genome position (GRCh38, 1-based): chr10:102,655,090, A>G. VCF-style: chr10-102655090-A-G. GRCh37 (hg19) VCF-style: chr10-104414847-A-G.
Other names: c.581A>G, p.Asn194Ser (NM_001345950.1); short protein forms N194S, N226S.
Identifiers: ClinVar variation 2098534 (VCV002098534.4), dbSNP rs934041153, ClinGen allele CA212266203.